The following is an entry in ClinVar:

ClinVar aggregate classification (germline): Uncertain significance (1 of 4 stars; one submission).

Conditions:
Radio-Tartaglia syndrome. Identifiers: Orphanet 662234, MedGen C5543339, MONDO:0859143, OMIM 619312.

Submission:

Laboratorio de Genetica e Diagnostico Molecular, Hospital Israelita Albert Einstein
Classification: Uncertain significance for Radio-Tartaglia syndrome. Last evaluated: 2022-02-14. Review status: criteria provided, single submitter. Criteria: ACMG Guidelines, 2015. Collection method: clinical testing. Allele origin: germline. Affected: yes.
Comment: ACMG classification criteria: PM2 moderate, BP4 supporting

NM_015001.3(SPEN):c.7788A>G (p.Ile2596Met)

Gene: SPEN (spen family transcriptional repressor; plus strand). Cytogenetic location: 1p36.13.
Variant type: single nucleotide variant.
Coding change: c.7788A>G on transcript NM_015001.3 (MANE Select); coding-DNA position 7788, A replaced by G.
Protein change: p.Ile2596Met; replaces isoleucine 2596 with methionine.
Molecular consequence: missense variant.
Genome position (GRCh38, 1-based): chr1:15,934,028, A>G. VCF-style: chr1-15934028-A-G. GRCh37 (hg19) VCF-style: chr1-16260523-A-G.
Other names: short protein forms I2596M.
Identifiers: ClinVar variation 1683667 (VCV001683667.2), dbSNP rs2148742257, ClinGen allele CA338646853.